The following is an entry in ClinVar:

NM_030665.4(RAI1):c.5288C>A (p.Pro1763Gln)

Gene: RAI1 (retinoic acid induced 1; plus strand). Cytogenetic location: 17p11.2.
Variant type: single nucleotide variant.
Coding change: c.5288C>A on transcript NM_030665.4 (MANE Select); coding-DNA position 5288, C replaced by A.
Protein change: p.Pro1763Gln; replaces proline 1763 with glutamine.
Molecular consequence: missense variant.
Genome position (GRCh38, 1-based): chr17:17,798,236, C>A. VCF-style: chr17-17798236-C-A. GRCh37 (hg19) VCF-style: chr17-17701550-C-A.
Other names: short protein forms P1763Q.
Identifiers: ClinVar variation 2634026 (VCV002634026.2), dbSNP rs755395511, ClinGen allele CA8419130.

ClinVar aggregate classification (germline): Uncertain significance (1 of 4 stars; one submission).

Conditions:
RAI1-related disorder. Also called: RAI1-related condition.

gnomAD v4.1: 4 of 1,609,856 alleles (0.00025%); highest among the groups gnomAD compares: Non-Finnish European, 0.00034%; no homozygotes.

Submission:

PreventionGenetics, part of Exact Sciences
Classification: Uncertain significance for RAI1-related condition. Last evaluated: 2025-12-22. Review status: criteria provided, single submitter. Criteria: ACMG Guidelines, 2015. Collection method: clinical testing. Allele origin: germline.
Comment: The RAI1 c.5288C>A variant is predicted to result in the amino acid substitution p.Pro1763Gln. To our knowledge, this variant has not been reported in the literature. This variant is reported in 0.00095% of alleles in individuals of European (Non-Finnish) descent in gnomAD. At this time, the clinical significance of this variant is uncertain due to the absence of conclusive functional and genetic evidence.